The following is an entry in ClinVar:

ClinVar aggregate classification (germline): Pathogenic/Likely pathogenic. Review status: criteria provided, multiple submitters, no conflicts (2 of 4 stars). 10 submissions from 10 submitters: Pathogenic (9); Likely pathogenic (1). Last evaluated 2025-12-24.

Conditions:
Hereditary cancer-predisposing syndrome. Also called: Hereditary neoplastic syndrome; Tumor predisposition; Neoplastic Syndromes, Hereditary; Hereditary Cancer Syndrome. Identifiers: Orphanet 140162, MedGen C0027672, MeSH D009386, MONDO:0015356.
Hereditary nonpolyposis colorectal neoplasms. Identifiers: MedGen C0009405, MeSH D003123.
Lynch syndrome 4 (LYNCH4). Also called: Hereditary non-polyposis colorectal cancer, type 4; Colorectal cancer, hereditary nonpolyposis, type 4. Identifiers: Orphanet 144, MedGen C1838333, MONDO:0013699, OMIM 614337. Disease mechanism: loss of function.
Lynch syndrome. Identifiers: Orphanet 144, MedGen C4552100, MONDO:0005835. Disease mechanism: loss of function.

Allele frequency attached by ClinVar (database versions not stated): gnomAD 0.00001; TOPMed 0.00001.
gnomAD v4.1: 1 of 1,582,268 alleles (0.000063%); highest among the groups gnomAD compares: African/African-American, 0.0013%; no homozygotes.

Submissions (10):

GeneDx
Classification: Pathogenic. Last evaluated: 2025-12-24. Review status: criteria provided, single submitter. Criteria: GeneDx Variant Classification Process June 2021. Collection method: clinical testing. Allele origin: germline. Affected: yes.
Comment: Observed in individuals with a personal and/or family history of breast/ovarian cancer (PMID: 33206196); Nonsense variant predicted to result in protein truncation or nonsense mediated decay in a gene for which loss of function is a known mechanism of disease; Truncating variants in this gene are considered pathogenic by a well-established clinical consortium and/or database; Not observed at significant frequency in large population cohorts (gnomAD); This variant is associated with the following publications: (PMID: 35419889, 33206196)

Labcorp Genetics (formerly Invitae), Labcorp
Classification: Pathogenic for Hereditary nonpolyposis colorectal neoplasms. Last evaluated: 2025-10-27. Review status: criteria provided, single submitter. Criteria: Invitae Variant Classification Sherloc (09022015). Collection method: clinical testing. Allele origin: germline.
Comment: This sequence change creates a premature translational stop signal (p.Leu83*) in the PMS2 gene. It is expected to result in an absent or disrupted protein product. Loss-of-function variants in PMS2 are known to be pathogenic (PMID: 21376568, 24362816). This variant is not present in population databases (gnomAD no frequency). This variant has not been reported in the literature in individuals affected with PMS2-related conditions. ClinVar contains an entry for this variant (Variation ID: 419752). For these reasons, this variant has been classified as Pathogenic.

Ambry Genetics
Classification: Pathogenic for Hereditary cancer-predisposing syndrome. Last evaluated: 2025-04-24. Review status: criteria provided, single submitter. Criteria: Ambry Variant Classification Scheme 2023. Collection method: clinical testing. Allele origin: germline.
Comment: The c.248T>G (p.L83*) alteration, located in exon 3 (coding exon 3) of the PMS2 gene, consists of a T to G substitution at nucleotide position 248. This changes the amino acid from a leucine (L) to a stop codon at amino acid position 83. This alteration is expected to result in loss of function by premature protein truncation or nonsense-mediated mRNA decay. This variant was not reported in population-based cohorts in the Genome Aggregation Database (gnomAD). Based on the available evidence, this alteration is classified as pathogenic.

All of Us Research Program, National Institutes of Health
Classification: Pathogenic for Lynch syndrome. Last evaluated: 2024-01-08. Review status: criteria provided, single submitter. Criteria: ACMG Guidelines, 2015. Collection method: clinical testing. Allele origin: germline. Inheritance: Autosomal dominant inheritance. Observed: 1 variant allele, 1 heterozygote.
Comment: This variant changes 1 nucleotide in exon 3 of the PMS2 gene, creating a premature translation stop signal. This variant is expected to result in an absent or non-functional protein product. This variant has been reported in an individual affected with fibroadenoma who had a family history of breast and ovarian cancer (PMID: 33206196). This variant has not been identified in the general population by the Genome Aggregation Database (gnomAD). Loss of PMS2 function is a known mechanism of disease. Based on the available evidence, this variant is classified as Pathogenic.

This study involves interpretation of variants in research participants for the purpose of population health screening. Participant phenotype was not available at the time of variant classification. Additional details can be found in publication PMID: 35346344, PMCID: PMC8962531

Color Diagnostics, LLC DBA Color Health
Classification: Pathogenic for Hereditary cancer-predisposing syndrome. Last evaluated: 2023-11-01. Review status: criteria provided, single submitter. Criteria: ACMG Guidelines, 2015. Collection method: clinical testing. Allele origin: germline.
Comment: This variant changes 1 nucleotide in exon 3 of the PMS2 gene, creating a premature translation stop signal. This variant is expected to result in an absent or non-functional protein product. This variant has been reported in an individual affected with fibroadenoma who had a family history of breast and ovarian cancer (PMID: 33206196). This variant has not been identified in the general population by the Genome Aggregation Database (gnomAD). Loss of PMS2 function is a known mechanism of disease. Based on the available evidence, this variant is classified as Pathogenic.

Myriad Genetics, Inc.
Classification: Pathogenic for Lynch syndrome 4. Last evaluated: 2023-09-18. Review status: criteria provided, single submitter. Criteria: Myriad Autosomal Dominant, Autosomal Recessive and X-Linked Classification Criteria (2023). Collection method: clinical testing. Allele origin: unknown.
Comment: This variant is considered pathogenic. This variant creates a termination codon and is predicted to result in premature protein truncation.

Baylor Genetics
Classification: Pathogenic for Lynch syndrome 4. Last evaluated: 2022-08-02. Review status: criteria provided, single submitter. Criteria: ACMG Guidelines, 2015. Collection method: clinical testing. Allele origin: unknown.

Genetic Services Laboratory, University of Chicago
Classification: Pathogenic. Last evaluated: 2022-01-25. Review status: criteria provided, single submitter. Criteria: ACMG Guidelines, 2015. Collection method: clinical testing. Allele origin: germline.

HudsonAlpha Institute for Biotechnology
Classification: Pathogenic for Lynch syndrome 4. Last evaluated: 2021-11-05. Review status: criteria provided, single submitter. Criteria: ACMG Guidelines, 2015. Collection method: research. Allele origin: unknown. Observed: 1 variant allele. Study: HudsonAlpha-AGHI-WGS.
Comment: ACMG codes:PVS1, PM2, PP5

Laboratory for Molecular Medicine, Mass General Brigham Personalized Medicine
Classification: Likely pathogenic for Lynch syndrome. Last evaluated: 2019-04-02. Review status: criteria provided, single submitter. Criteria: ACMG Guidelines, 2015. Collection method: clinical testing. Allele origin: germline. Inheritance: Autosomal dominant inheritance.
Comment: The p.Leu83X variant in PMS2 has not been previously reported in individuals with Lynch syndrome and was absent from large population studies. However, this variant has been reported in ClinVar (Variation ID: 419752). This nonsense variant leads to a premature termination codon at position 83, which is predicted to lead to a truncated or absent protein. Loss of function of the PMS2 gene is an established disease mechanism in autosomal dominant Lynch syndrome. In summary, although additional studies are required to fully establish its clinical significance, this variant meets criteria to be classified as likely pathogenic for autosomal dominant Lynch syndrome. ACMG/AMP Criteria applied: PVS1, PM2.

Literature cited by the submitters: PubMed 21376568 (cited by Labcorp Genetics (formerly Invitae), Labcorp); PubMed 24362816 (cited by Labcorp Genetics (formerly Invitae), Labcorp); PubMed 33206196 (cited by 3 submitters).

NM_000535.7(PMS2):c.248T>G (p.Leu83Ter)

Gene: PMS2 (PMS1 homolog 2, mismatch repair system component; minus strand). Cytogenetic location: 7p22.1.
Variant type: single nucleotide variant.
Coding change: c.248T>G on transcript NM_000535.7 (MANE Select); coding-DNA position 248, T replaced by G.
Protein change: p.Leu83Ter; replaces leucine 83 with a stop codon.
Molecular consequence: nonsense. On other transcripts: 5 prime UTR variant (9), synonymous variant (2), non-coding transcript variant (1).
Genome position (GRCh38, 1-based): chr7:6,003,974, A>C on the plus strand (T>G on the coding strand, the complement: PMS2 is on the minus strand). VCF-style: chr7-6003974-A-C. GRCh37 (hg19) VCF-style: chr7-6043605-A-C.
Other names: c.-158T>G (NM_001322004.2, NM_001322005.2, NM_001322009.2 and 3 more transcripts); c.33T>G, p.Leu11= (NM_001322007.2, NM_001322008.2); c.-637T>G (NM_001322012.2, NM_001322011.2); c.248T>G, p.Leu83Ter (NM_001322006.2, NM_001322014.2); c.-237T>G (NM_001322015.2); short protein forms L83*.
Identifiers: ClinVar variation 419752 (VCV000419752.28), dbSNP rs1064794083, ClinGen allele CA16618539.